The following is an entry in ClinVar:

ClinVar aggregate classification (germline): Likely pathogenic (1 of 4 stars; one submission).

Conditions:
Intellectual developmental disorder with autism and macrocephaly. Also called: Autism, susceptibility to, 18; CHD8-Related Neurodevelopmental Disorder with Overgrowth. Identifiers: Orphanet 642675, MedGen C3554373, MONDO:0014017, OMIM 615032.

Submission:

Institute of Immunology and Genetics Kaiserslautern
Classification: Likely pathogenic for Intellectual developmental disorder with autism and macrocephaly. Last evaluated: 2026-02-16. Review status: criteria provided, single submitter. Criteria: ACMG Guidelines, 2015. Collection method: clinical testing. Allele origin: de novo. Affected: yes.
Comment: ACMG Criteria: PS2, PM2, PP3; Variant was found in heterozygous state. De novo-status was confirmed via in-house segregation analysis.

NM_001170629.2(CHD8):c.2692A>G (p.Met898Val)

Gene: CHD8 (chromodomain helicase DNA binding protein 8; minus strand). Cytogenetic location: 14q11.2.
Variant type: single nucleotide variant.
Coding change: c.2692A>G on transcript NM_001170629.2 (MANE Select); coding-DNA position 2692, A replaced by G.
Protein change: p.Met898Val; replaces methionine 898 with valine.
Molecular consequence: missense variant.
Genome position (GRCh38, 1-based): chr14:21,408,350, T>C on the plus strand (A>G on the coding strand, the complement: CHD8 is on the minus strand). VCF-style: chr14-21408350-T-C. GRCh37 (hg19) VCF-style: chr14-21876509-T-C.
Other names: c.1855A>G, p.Met619Val (NM_020920.4); short protein forms M619V, M898V.
Identifiers: ClinVar variation 4851415 (VCV004851415.1).
Genomic context (GRCh38, chr14:21,408,350, plus strand): 5'-ATTCCCAAGACATGCAACTCACCCGTGAATCTTTGCAGTACATTTCATACTGTTGAATCA[T>C]CTGCCTGCTGGCCAGACTGCCATGGTACACAATAGTGTTCATTTCTGTCCATGTATTAAA-3'
Protein context (NP_001164100.1, residues 888-908): VYHGSLASRQ[Met898Val]IQQYEMYCKD